The following is an entry in ClinVar:

ClinVar aggregate classification (germline): Uncertain significance. Review status: criteria provided, multiple submitters, no conflicts (2 of 4 stars). 2 submissions from 2 submitters: Uncertain significance (2). Last evaluated 2025-08-13.

Conditions:
Inborn genetic diseases. Identifiers: MedGen C0950123, MeSH D030342.

Allele frequency attached by ClinVar (database versions not stated): TOPMed below 0.00001; ExAC 0.00001; gnomAD exomes 0.00001.
gnomAD v4.1: 13 of 1,606,734 alleles (0.00081%); highest among the groups gnomAD compares: East Asian, 0.0045%; 1 homozygote.

Submissions (2):

Ambry Genetics
Classification: Uncertain significance for Inborn genetic diseases. Last evaluated: 2025-08-13. Review status: criteria provided, single submitter. Criteria: Ambry Variant Classification Scheme 2023. Collection method: clinical testing. Allele origin: germline.

Labcorp Genetics (formerly Invitae), Labcorp
Classification: Uncertain significance. Last evaluated: 2022-05-07. Review status: criteria provided, single submitter. Criteria: Invitae Variant Classification Sherloc (09022015). Collection method: clinical testing. Allele origin: germline.
Comment: This sequence change replaces arginine, which is basic and polar, with cysteine, which is neutral and slightly polar, at codon 993 of the MBTPS1 protein (p.Arg993Cys). This variant is present in population databases (rs767750609, gnomAD 0.01%). This variant has not been reported in the literature in individuals affected with MBTPS1-related conditions. Algorithms developed to predict the effect of missense changes on protein structure and function are either unavailable or do not agree on the potential impact of this missense change (SIFT: "Tolerated"; PolyPhen-2: "Possibly Damaging"; Align-GVGD: "Class C0"). In summary, the available evidence is currently insufficient to determine the role of this variant in disease. Therefore, it has been classified as a Variant of Uncertain Significance.

NM_003791.4(MBTPS1):c.2977C>T (p.Arg993Cys)

Gene: MBTPS1 (membrane bound transcription factor peptidase, site 1; minus strand). Cytogenetic location: 16q23.3.
Variant type: single nucleotide variant.
Coding change: c.2977C>T on transcript NM_003791.4 (MANE Select); coding-DNA position 2977, C replaced by T.
Protein change: p.Arg993Cys; replaces arginine 993 with cysteine.
Molecular consequence: missense variant.
Genome position (GRCh38, 1-based): chr16:84,054,631, G>A on the plus strand (C>T on the coding strand, the complement: MBTPS1 is on the minus strand). VCF-style: chr16-84054631-G-A. GRCh37 (hg19) VCF-style: chr16-84088236-G-A.
Other names: c.2977C>T (NM_003791.2); short protein forms R993C.
Identifiers: ClinVar variation 1975066 (VCV001975066.6), dbSNP rs767750609, ClinGen allele CA8200637.